The following is an entry in ClinVar:

ClinVar aggregate classification (germline): Uncertain significance (1 of 4 stars; one submission).

Conditions:
Combined immunodeficiency due to LRBA deficiency. Also called: Common variable immunodeficiency 8, with autoimmunity. Identifiers: Orphanet 445018, MedGen C3553512, MONDO:0013863, OMIM 614700.

Submission:

Labcorp Genetics (formerly Invitae), Labcorp
Classification: Uncertain significance for Combined immunodeficiency due to LRBA deficiency. Last evaluated: 2022-07-06. Review status: criteria provided, single submitter. Criteria: Invitae Variant Classification Sherloc (09022015). Collection method: clinical testing. Allele origin: germline.
Comment: In summary, the available evidence is currently insufficient to determine the role of this variant in disease. Therefore, it has been classified as a Variant of Uncertain Significance. Algorithms developed to predict the effect of missense changes on protein structure and function output the following: SIFT: "Tolerated"; PolyPhen-2: "Benign"; Align-GVGD: "Class C0". The leucine amino acid residue is found in multiple mammalian species, which suggests that this missense change does not adversely affect protein function. This variant has not been reported in the literature in individuals affected with LRBA-related conditions. This sequence change replaces phenylalanine, which is neutral and non-polar, with leucine, which is neutral and non-polar, at codon 657 of the LRBA protein (p.Phe657Leu). This variant is not present in population databases (gnomAD no frequency).

NM_001364905.1(LRBA):c.1969T>C (p.Phe657Leu)

Gene: LRBA (LPS responsive beige-like anchor protein; minus strand). Cytogenetic location: 4q31.3.
Variant type: single nucleotide variant.
Coding change: c.1969T>C on transcript NM_001364905.1 (MANE Select); coding-DNA position 1969, T replaced by C.
Protein change: p.Phe657Leu; replaces phenylalanine 657 with leucine.
Molecular consequence: missense variant.
Genome position (GRCh38, 1-based): chr4:150,897,774, A>G on the plus strand (T>C on the coding strand, the complement: LRBA is on the minus strand). VCF-style: chr4-150897774-A-G. GRCh37 (hg19) VCF-style: chr4-151818926-A-G.
Other names: c.1969T>C, p.Phe657Leu (NM_001199282.3, NM_001367550.1, NM_006726.5); short protein forms F657L.
Identifiers: ClinVar variation 2047657 (VCV002047657.4), dbSNP rs2546620480, ClinGen allele CA358429545.